The following is an entry in ClinVar:

ClinVar aggregate classification (germline): Uncertain significance (1 of 4 stars; one submission).

Allele frequency attached by ClinVar (database versions not stated): gnomAD exomes below 0.00001 and 0.00001; TOPMed below 0.00001; ExAC 0.00001.

Submission:

Labcorp Genetics (formerly Invitae), Labcorp
Classification: Uncertain significance. Last evaluated: 2022-02-08. Review status: criteria provided, single submitter. Criteria: Invitae Variant Classification Sherloc (09022015). Collection method: clinical testing. Allele origin: germline.
Comment: In summary, the available evidence is currently insufficient to determine the role of this variant in disease. Therefore, it has been classified as a Variant of Uncertain Significance. Experimental studies and prediction algorithms are not available or were not evaluated, and the functional significance of this variant is currently unknown. This variant has not been reported in the literature in individuals affected with GPR179-related conditions. This variant is present in population databases (rs758812349, gnomAD 0.0009%). This sequence change replaces glycine, which is neutral and non-polar, with serine, which is neutral and polar, at codon 1234 of the GPR179 protein (p.Gly1234Ser).

NM_001004334.4(GPR179):c.3700G>A (p.Gly1234Ser)

Gene: GPR179 (G protein-coupled receptor 179; minus strand). Cytogenetic location: 17q12.
Variant type: single nucleotide variant.
Coding change: c.3700G>A on transcript NM_001004334.4 (MANE Select); coding-DNA position 3700, G replaced by A.
Protein change: p.Gly1234Ser; replaces glycine 1234 with serine.
Molecular consequence: missense variant.
Genome position (GRCh38, 1-based): chr17:38,329,869, C>T on the plus strand (G>A on the coding strand, the complement: GPR179 is on the minus strand). VCF-style: chr17-38329869-C-T. GRCh37 (hg19) VCF-style: chr17-36485752-C-T.
Other names: short protein forms G1234S.
Identifiers: ClinVar variation 1464637 (VCV001464637.5), dbSNP rs758812349, ClinGen allele CA290104865.
Genomic context (GRCh38, chr17:38,329,869, plus strand): 5'-GCGTTTCTGATTCAGTGACCTCCCAGGGGCATACCTCTGCCACCCTGTGGTCAGCGCTGC[C>T]CAGGGACTGGAGGCCAGCTTTGGGCAGTTCCTGCCACCCGACAGGGGTTTCTTTTGATTG-3'
Protein context (NP_001004334.3, residues 1224-1244): ELPKAGLQSL[Gly1234Ser]SADHRVAEVC